The following is an entry in ClinVar:

NM_006612.6(KIF1C):c.720+20del

Gene: KIF1C (kinesin family member 1C; plus strand). Cytogenetic location: 17p13.2.
Variant type: Deletion.
Coding change: c.720+20del on transcript NM_006612.6 (MANE Select); 20 bases into the intron after coding-DNA position 720, one base deleted (C; older notation c.720+20delC).
Molecular consequence: intron variant.
Genome position (GRCh38, 1-based): chr17:5,002,862, C deleted; the last of 11 consecutive C bases (chr17:5,002,852-5,002,862); deleting any one gives the same sequence. VCF-style (leftmost placement, unchanged base first): chr17-5002851-GC-G. GRCh37 (hg19) VCF-style: chr17-4906146-GC-G.
Other names: p.?.
Identifiers: ClinVar variation 1167058 (VCV001167058.16), dbSNP rs10533622, ClinGen allele CA8318654.

ClinVar aggregate classification (germline): Benign/Likely benign. Review status: criteria provided, multiple submitters, no conflicts (2 of 4 stars). 4 submissions from 4 submitters: Benign (3); Likely benign (1). Last evaluated 2026-02-03.

Conditions:
Spastic ataxia 2. Also called: Ataxia, spastic, 2, autosomal recessive. Identifiers: Orphanet 397946, MedGen C1969796, MONDO:0012651, OMIM 611302.
Hereditary spastic paraplegia. Also called: Familial spastic paraparesis. Identifiers: Orphanet 685, MedGen C0037773, MONDO:0019064. Disease mechanism: loss of function.

Submissions (4):

Labcorp Genetics (formerly Invitae), Labcorp
Classification: Benign for Spastic ataxia 2. Last evaluated: 2026-02-03. Review status: criteria provided, single submitter. Criteria: Invitae Variant Classification Sherloc (09022015). Collection method: clinical testing. Allele origin: germline.

Mayo Clinic Laboratories, Mayo Clinic
Classification: Benign. Last evaluated: 2023-01-17. Review status: criteria provided, single submitter. Criteria: ACMG Guidelines, 2015. Collection method: clinical testing. Allele origin: germline. Observed: 102 variant alleles.
Comment: BA1

GeneDx
Classification: Likely benign. Last evaluated: 2019-08-06. Review status: criteria provided, single submitter. Criteria: GeneDx Variant Classification Process June 2021. Collection method: clinical testing. Allele origin: germline. Affected: yes.

Genome Diagnostics Laboratory, The Hospital for Sick Children
Classification: Benign for Hereditary spastic paraplegia. Last evaluated: 2016-12-12. Review status: criteria provided, single submitter. Criteria: ACMG Guidelines, 2015. Collection method: clinical testing. Allele origin: germline. Affected: yes.